The following is an entry in ClinVar:

NM_001273.5(CHD4):c.5217C>T (p.Ala1739=)

Genes: CHD4 (chromodomain helicase DNA binding protein 4; minus strand), CHD4-AS1 (CHD4 antisense RNA 1; plus strand). Cytogenetic location: 12p13.31.
Variant type: single nucleotide variant.
Coding change: c.5217C>T on transcript NM_001273.5 (MANE Select); coding-DNA position 5217, C replaced by T.
Protein change: p.Ala1739=; no amino-acid change (alanine 1739 retained).
Molecular consequence: synonymous variant.
Genome position (GRCh38, 1-based): chr12:6,578,040, G>A on the plus strand (C>T on the coding strand, the complement: CHD4 is on the minus strand). VCF-style: chr12-6578040-G-A. GRCh37 (hg19) VCF-style: chr12-6687206-G-A.
Other names: c.5196C>T, p.Ala1732= (NM_001297553.2); c.5184C>T, p.Ala1728= (NM_001363606.2).
Identifiers: ClinVar variation 789212 (VCV000789212.34), dbSNP rs34509399, ClinGen allele CA6411284.

ClinVar aggregate classification (germline): Benign/Likely benign. Review status: criteria provided, multiple submitters, no conflicts (2 of 4 stars). 4 submissions from 4 submitters: Benign (1); Likely benign (2). 1 of the submissions does not count toward it. Last evaluated 2026-07-01.

Conditions:
CHD4-related disorder. Also called: CHD4-related condition.

Allele frequency attached by ClinVar (database versions not stated): TOPMed 0.00115; gnomAD 0.00122 and 0.00129; gnomAD exomes 0.00124 and 0.00152; ExAC 0.00134; 1000 Genomes Project 0.00060; 1000 Genomes Project 30x 0.00062; ESP Exome Variant Server 0.00100.
gnomAD v4.1: 2,419 of 1,612,560 alleles (0.15%); highest among the groups gnomAD compares: Non-Finnish European, 0.16%; 6 homozygotes.

Submissions (4):

CeGaT Center for Human Genetics Tuebingen
Classification: Likely benign. Last evaluated: 2026-07-01. Review status: criteria provided, single submitter. Criteria: CeGaT Center For Human Genetics Tuebingen Variant Classification Criteria Version 2. Collection method: clinical testing. Allele origin: germline. Affected: yes. Observed: 8 variant alleles.
Comment: CHD4: BP4, BP7, BS1

Labcorp Genetics (formerly Invitae), Labcorp
Classification: Benign. Last evaluated: 2026-02-01. Review status: criteria provided, single submitter. Criteria: Invitae Variant Classification Sherloc (09022015). Collection method: clinical testing. Allele origin: germline.

Blueprint Genetics
Classification: Likely benign. Last evaluated: 2024-11-07. Review status: criteria provided, single submitter. Criteria: ACMG Guidelines, 2015. Collection method: clinical testing. Allele origin: germline.

PreventionGenetics, part of Exact Sciences
Classification: Likely benign for CHD4-related condition. Last evaluated: 2020-01-08. Review status: no assertion criteria provided. Collection method: clinical testing. Allele origin: germline. Not counted in ClinVar's aggregate classification.
Comment: This variant is classified as likely benign based on ACMG/AMP sequence variant interpretation guidelines (Richards et al. 2015 PMID: 25741868, with internal and published modifications).